The following is an entry in ClinVar:

NM_001378778.1(MPDZ):c.2389T>C (p.Ser797Pro)

Gene: MPDZ (multiple PDZ domain crumbs cell polarity complex component; minus strand). Cytogenetic location: 9p23.
Variant type: single nucleotide variant.
Coding change: c.2389T>C on transcript NM_001378778.1 (MANE Select); coding-DNA position 2389, T replaced by C.
Protein change: p.Ser797Pro; replaces serine 797 with proline.
Molecular consequence: missense variant.
Genome position (GRCh38, 1-based): chr9:13,186,362, A>G on the plus strand (T>C on the coding strand, the complement: MPDZ is on the minus strand). VCF-style: chr9-13186362-A-G. GRCh37 (hg19) VCF-style: chr9-13186361-A-G.
Other names: c.2389T>C, p.Ser797Pro (NM_001261406.2, NM_001261407.2, NM_001330637.2 and 14 more transcripts); short protein forms S797P.
Identifiers: ClinVar variation 392245 (VCV000392245.9), dbSNP rs1057524407, ClinGen allele CA16605390.

ClinVar aggregate classification (germline): Uncertain significance. Review status: criteria provided, multiple submitters, no conflicts (2 of 4 stars). 2 submissions from 2 submitters: Uncertain significance (2). Last evaluated 2021-04-30.

Allele frequency attached by ClinVar (database versions not stated): gnomAD exomes below 0.00001; gnomAD 0.00001 and 0.00002; TOPMed 0.00001.

Submissions (2):

Labcorp Genetics (formerly Invitae), Labcorp
Classification: Uncertain significance. Last evaluated: 2021-04-30. Review status: criteria provided, single submitter. Criteria: Invitae Variant Classification Sherloc (09022015). Collection method: clinical testing. Allele origin: germline.
Comment: In summary, the available evidence is currently insufficient to determine the role of this variant in disease. Therefore, it has been classified as a Variant of Uncertain Significance. This sequence change replaces serine with proline at codon 797 of the MPDZ protein (p.Ser797Pro). The serine residue is highly conserved and there is a moderate physicochemical difference between serine and proline. Algorithms developed to predict the effect of missense changes on protein structure and function (SIFT, PolyPhen-2, Align-GVGD) all suggest that this variant is likely to be disruptive, but these predictions have not been confirmed by published functional studies and their clinical significance is uncertain. This variant is not present in population databases (ExAC no frequency). This variant has not been reported in the literature in individuals with MPDZ-related conditions. ClinVar contains an entry for this variant (Variation ID: 392245).

GeneDx
Classification: Uncertain significance. Last evaluated: 2017-01-06. Review status: criteria provided, single submitter. Criteria: GeneDx Variant Classification (06012015). Collection method: clinical testing. Allele origin: germline. Affected: yes.
Comment: The S797P variant in the MPDZ gene has not been reported previously as a pathogenic variant, nor as a benign variant, to our knowledge. The S797P variant was not observed in approximately 6,000 individuals of European and African American ancestry in the NHLBI Exome Sequencing Project, indicating it is not a common benign variant in these populations. The S797P variant is a non-conservative amino acid substitution, which is likely to impact secondary protein structure as these residues differ in polarity, charge, size and/or other properties. This substitution occurs at a position that is conserved across species. In silico analysis is inconsistent in its predictions as to whether or not the variant is damaging to the protein structure/function. We interpret S797P as a variant of uncertain significance.